The following is an entry in ClinVar:

NM_000399.5(EGR2):c.398C>T (p.Ser133Leu)

Gene: EGR2 (early growth response 2; minus strand). Cytogenetic location: 10q21.3.
Variant type: single nucleotide variant.
Coding change: c.398C>T on transcript NM_000399.5 (MANE Select); coding-DNA position 398, C replaced by T.
Protein change: p.Ser133Leu; replaces serine 133 with leucine.
Molecular consequence: missense variant.
Genome position (GRCh38, 1-based): chr10:62,814,240, G>A on the plus strand (C>T on the coding strand, the complement: EGR2 is on the minus strand). VCF-style: chr10-62814240-G-A. GRCh37 (hg19) VCF-style: chr10-64574000-G-A.
Other names: c.248C>T, p.Ser83Leu (NM_001136179.3, NM_001321037.2); c.437C>T, p.Ser146Leu (NM_001410931.1); c.398C>T, p.Ser133Leu (NM_001136177.3, NM_001136178.2); short protein forms S133L, S146L, S83L.
Identifiers: ClinVar variation 2957647 (VCV002957647.3), dbSNP rs761182423, ClinGen allele CA5517285.

ClinVar aggregate classification (germline): Uncertain significance (1 of 4 stars; one submission).

Conditions:
Charcot-Marie-Tooth disease, type I (CMT1). Also called: Charcot-Marie-Tooth, Type 1; Charcot-Marie-Tooth disease type 1. Identifiers: Orphanet 65753, MedGen C0751036, MONDO:0019011.

Allele frequency attached by ClinVar (database versions not stated): gnomAD exomes below 0.00001; ExAC 0.00001.
gnomAD v4.1: 3 of 1,614,180 alleles (0.00019%); highest among the groups gnomAD compares: Middle Eastern, 0.016%; no homozygotes.

Submission:

Labcorp Genetics (formerly Invitae), Labcorp
Classification: Uncertain significance for Charcot-Marie-Tooth disease, type I. Last evaluated: 2023-03-07. Review status: criteria provided, single submitter. Criteria: Invitae Variant Classification Sherloc (09022015). Collection method: clinical testing. Allele origin: germline.
Comment: In summary, the available evidence is currently insufficient to determine the role of this variant in disease. Therefore, it has been classified as a Variant of Uncertain Significance. Advanced modeling of protein sequence and biophysical properties (such as structural, functional, and spatial information, amino acid conservation, physicochemical variation, residue mobility, and thermodynamic stability) performed at Invitae indicates that this missense variant is not expected to disrupt EGR2 protein function. This variant has not been reported in the literature in individuals affected with EGR2-related conditions. This variant is present in population databases (rs761182423, gnomAD 0.003%). This sequence change replaces serine, which is neutral and polar, with leucine, which is neutral and non-polar, at codon 133 of the EGR2 protein (p.Ser133Leu).